The following is an entry in ClinVar:

ClinVar aggregate classification (germline): Conflicting classifications of pathogenicity. Review status: criteria provided, conflicting classifications (1 of 4 stars). 8 submissions from 8 submitters: Uncertain significance (5); Likely benign (3). Last evaluated 2025-11-09.

Conditions:
Thyrotoxic periodic paralysis, susceptibility to, 1 (TTPP1). Identifiers: Orphanet 79102, MedGen C2749982, MONDO:0008570, OMIM 188580.
Malignant hyperthermia, susceptibility to, 5 (MHS5). Also called: CACNA1S-Related Malignant Hyperthermia Susceptibility. Identifiers: Orphanet 423, MedGen C1866077, MONDO:0011163, OMIM 601887.
Hypokalemic periodic paralysis, type 1. Also called: HypoPP; Hypokalemic Periodic Paralysis Type 1 (AD). Identifiers: Orphanet 681, MedGen C3714580, MONDO:0042979, OMIM 170400.
Inborn genetic diseases. Identifiers: MedGen C0950123, MeSH D030342.

Allele frequency attached by ClinVar (database versions not stated): ExAC 0.00006; gnomAD exomes 0.00006 and 0.00007; ESP Exome Variant Server 0.00008; TOPMed 0.00011; gnomAD 0.00012; 1000 Genomes Project 0.00020; 1000 Genomes Project 30x 0.00031.
gnomAD v4.1: 96 of 1,614,156 alleles (0.0059%); highest among the groups gnomAD compares: Non-Finnish European, 0.0078%; no homozygotes.

Submissions (8):

Labcorp Genetics (formerly Invitae), Labcorp
Classification: Likely benign for Hypokalemic periodic paralysis, type 1; Malignant hyperthermia, susceptibility to, 5. Last evaluated: 2025-11-09. Review status: criteria provided, single submitter. Criteria: Invitae Variant Classification Sherloc (09022015). Collection method: clinical testing. Allele origin: germline.

GeneDx
Classification: Uncertain significance. Last evaluated: 2025-02-14. Review status: criteria provided, single submitter. Criteria: GeneDx Variant Classification Process June 2021. Collection method: clinical testing. Allele origin: germline. Affected: yes.
Comment: In silico analysis supports that this missense variant has a deleterious effect on protein structure/function; Has not been previously published as pathogenic or benign to our knowledge

Women's Health and Genetics/Laboratory Corporation of America, LabCorp
Classification: Likely benign. Last evaluated: 2024-07-18. Review status: criteria provided, single submitter. Criteria: LabCorp Variant Classification Summary - May 2015. Collection method: clinical testing. Allele origin: germline.
Comment: Variant summary: CACNA1S c.4916A>T (p.Glu1639Val) results in a non-conservative amino acid change in the encoded protein sequence. Three of five in-silico tools predict a damaging effect of the variant on protein function. The variant allele was found at a frequency of 6.8e-05 in 251482 control chromosomes. The observed variant frequency is approximately 54 fold of the estimated maximal expected allele frequency for a pathogenic variant in CACNA1S causing Hypokalemic Periodic Paralysis phenotype (1.3e-06). To our knowledge, no occurrence of c.4916A>T in individuals affected with Hypokalemic Periodic Paralysis and no experimental evidence demonstrating its impact on protein function have been reported. ClinVar contains an entry for this variant (Variation ID: 426437). Based on the evidence outlined above, the variant was classified as likely benign.

Color Diagnostics, LLC DBA Color Health
Classification: Uncertain significance for Malignant hyperthermia, susceptibility to, 5. Last evaluated: 2024-02-05. Review status: criteria provided, single submitter. Criteria: ACMG Guidelines, 2015. Collection method: clinical testing. Allele origin: germline.
Comment: This missense variant replaces glutamic acid with valine at codon 1639 of the CACNA1S protein. Computational prediction suggests that this variant may not impact protein structure and function. To our knowledge, functional studies have not been reported for this variant. This variant has not been reported in individuals affected with CACNA1S-related disorders in the literature. This variant has been identified in 21/282856 chromosomes in the general population by the Genome Aggregation Database (gnomAD). The available evidence is insufficient to determine the role of this variant in disease conclusively. Therefore, this variant is classified as a Variant of Uncertain Significance.

Blueprint Genetics
Classification: Likely benign. Last evaluated: 2023-08-14. Review status: criteria provided, single submitter. Criteria: ACMG Guidelines, 2015. Collection method: clinical testing. Allele origin: germline.

Ambry Genetics
Classification: Uncertain significance for Inborn genetic diseases. Last evaluated: 2022-05-11. Review status: criteria provided, single submitter. Criteria: Ambry Variant Classification Scheme 2023. Collection method: clinical testing. Allele origin: germline.

Fulgent Genetics
Classification: Uncertain significance for Hypokalemic periodic paralysis, type 1; Thyrotoxic periodic paralysis, susceptibility to, 1; Malignant hyperthermia, susceptibility to, 5. Last evaluated: 2022-03-04. Review status: criteria provided, single submitter. Criteria: ACMG Guidelines, 2015. Collection method: clinical testing. Allele origin: unknown.

Breakthrough Genomics
Classification: Uncertain significance. Review status: criteria provided, single submitter. Criteria: ACMG Guidelines, 2015. Collection method: not provided. Allele origin: germline. Inheritance: Autosomal dominant inheritance. Affected: yes.

NM_000069.3(CACNA1S):c.4916A>T (p.Glu1639Val)

Gene: CACNA1S (calcium voltage-gated channel subunit alpha1 S; minus strand). Cytogenetic location: 1q32.1.
Variant type: single nucleotide variant.
Coding change: c.4916A>T on transcript NM_000069.3 (MANE Select); coding-DNA position 4916, A replaced by T.
Protein change: p.Glu1639Val; replaces glutamic acid 1639 with valine.
Molecular consequence: missense variant.
Genome position (GRCh38, 1-based): chr1:201,043,413, T>A on the plus strand (A>T on the coding strand, the complement: CACNA1S is on the minus strand). VCF-style: chr1-201043413-T-A. GRCh37 (hg19) VCF-style: chr1-201012541-T-A.
Other names: short protein forms E1639V.
Identifiers: ClinVar variation 426437 (VCV000426437.19), dbSNP rs146885451, ClinGen allele CA083624.
Genomic context (GRCh38, chr1:201,043,413, plus strand): 5'-GCACGAGCCAGGGGGTTGGTGCGTGGATCTTGTGGGAAGTCCTCCAAGAAGACAGGTGAC[T>A]CCATCTCTTCCATCTCTATCTCAGCAAACTGGAGGGGTCTCTGATTGGCCATGACGGGGG-3'
Protein context (NP_000060.2, residues 1629-1649): QFAEIEMEEM[Glu1639Val]SPVFLEDFPQ